The following is an entry in ClinVar:

NM_001130438.3(SPTAN1):c.58dup (p.Gln20fs)

Gene: SPTAN1 (spectrin alpha, non-erythrocytic 1; plus strand). Cytogenetic location: 9q34.11.
Variant type: Duplication.
Coding change: c.58dup on transcript NM_001130438.3 (MANE Select); coding-DNA position 58, one base duplicated (C; older notation c.58dupC).
Protein change: p.Gln20fs; shifts the reading frame from glutamine 20.
Molecular consequence: frameshift variant.
Genome position (GRCh38, 1-based): chr9:128,566,798, C duplicated. VCF-style (leftmost placement, unchanged base first): chr9-128566797-G-GC. GRCh37 (hg19) VCF-style: chr9-131329076-G-GC.
Other names: c.58dup, p.Gln20fs (NM_001195532.2, NM_001363759.2, NM_001363765.2 and 5 more transcripts); c.94dup, p.Gln32fs (NM_001375312.2, NM_001375318.1); short protein forms Q20fs, Q32fs.
Identifiers: ClinVar variation 2034072 (VCV002034072.4), dbSNP rs2540898617, ClinGen allele CA2580079704.
Genomic context (GRCh38, chr9:128,566,797, plus strand): 5'-GAAAATGGACCCAAGTGGGGTCAAAGTGCTGGAAACAGCAGAGGACATCCAGGAGAGGCG[G>GC]CAGCAGGTCCTAGACCGATACCACCGCTTCAAGGAACTCTCAACCCTTAGGCGTCAGAAG-3'

ClinVar aggregate classification (germline): Pathogenic (1 of 4 stars; one submission).

Conditions:
Early-infantile DEE. Also called: Ohtahara syndrome; Early infantile epileptic encephalopathy with suppression bursts; Early infantile epileptic encephalopathy. Identifiers: Orphanet 1934, MedGen C0393706, MONDO:0800491.

Submission:

Labcorp Genetics (formerly Invitae), Labcorp
Classification: Pathogenic for Early-infantile DEE. Last evaluated: 2023-05-16. Review status: criteria provided, single submitter. Criteria: Invitae Variant Classification Sherloc (09022015). Collection method: clinical testing. Allele origin: germline.
Comment: This sequence change creates a premature translational stop signal (p.Gln20Profs*17) in the SPTAN1 gene. It is expected to result in an absent or disrupted protein product. Loss-of-function variants in SPTAN1 are known to be pathogenic (PMID: 31332438, 33206935). For these reasons, this variant has been classified as Pathogenic. ClinVar contains an entry for this variant (Variation ID: 2034072). This variant has not been reported in the literature in individuals affected with SPTAN1-related conditions. This variant is not present in population databases (gnomAD no frequency).

Literature cited by the submitters: PubMed 31332438; PubMed 33206935.